The following is an entry in ClinVar:

ClinVar aggregate classification (germline): Uncertain significance (1 of 4 stars; one submission).

gnomAD v4.1: 5 of 1,614,152 alleles (0.00031%); highest among the groups gnomAD compares: East Asian, 0.011%; no homozygotes.

Submission:

Labcorp Genetics (formerly Invitae), Labcorp
Classification: Uncertain significance. Last evaluated: 2023-05-02. Review status: criteria provided, single submitter. Criteria: Invitae Variant Classification Sherloc (09022015). Collection method: clinical testing. Allele origin: germline.
Comment: Advanced modeling of protein sequence and biophysical properties (such as structural, functional, and spatial information, amino acid conservation, physicochemical variation, residue mobility, and thermodynamic stability) performed at Invitae indicates that this missense variant is not expected to disrupt GALNT12 protein function. This variant has not been reported in the literature in individuals affected with GALNT12-related conditions. This variant is not present in population databases (gnomAD no frequency). This sequence change replaces proline, which is neutral and non-polar, with histidine, which is basic and polar, at codon 274 of the GALNT12 protein (p.Pro274His). In summary, the available evidence is currently insufficient to determine the role of this variant in disease. Therefore, it has been classified as a Variant of Uncertain Significance.

NM_024642.5(GALNT12):c.821C>A (p.Pro274His)

Gene: GALNT12 (polypeptide N-acetylgalactosaminyltransferase 12; plus strand). Cytogenetic location: 9q22.33.
Variant type: single nucleotide variant.
Coding change: c.821C>A on transcript NM_024642.5 (MANE Select); coding-DNA position 821, C replaced by A.
Protein change: p.Pro274His; replaces proline 274 with histidine.
Molecular consequence: missense variant.
Genome position (GRCh38, 1-based): chr9:98,831,861, C>A. VCF-style: chr9-98831861-C-A. GRCh37 (hg19) VCF-style: chr9-101594143-C-A.
Other names: short protein forms P274H.
Identifiers: ClinVar variation 3007022 (VCV003007022.3), dbSNP rs1239107738, ClinGen allele CA374218083.